The following is an entry in ClinVar:

ClinVar aggregate classification (germline): Uncertain significance (1 of 4 stars; one submission).

Conditions:
Ullrich congenital muscular dystrophy 2 (UCMD2). Identifiers: Orphanet 75840, MedGen C4225314, MONDO:0014654, OMIM 616470.
Bethlem myopathy 2 (BTHLM2). Identifiers: Orphanet 536516, Orphanet 610, MedGen C4225313, MONDO:0034022, OMIM 616471.

Allele frequency attached by ClinVar (database versions not stated): TOPMed below 0.00001; ExAC 0.00001; gnomAD 0.00001; ESP Exome Variant Server 0.00008.

Submission:

Labcorp Genetics (formerly Invitae), Labcorp
Classification: Uncertain significance for Bethlem myopathy 2; Ullrich congenital muscular dystrophy 2. Last evaluated: 2021-08-02. Review status: criteria provided, single submitter. Criteria: Invitae Variant Classification Sherloc (09022015). Collection method: clinical testing. Allele origin: germline.
Comment: In summary, the available evidence is currently insufficient to determine the role of this variant in disease. Therefore, it has been classified as a Variant of Uncertain Significance. This sequence change replaces arginine with lysine at codon 818 of the COL12A1 protein (p.Arg818Lys). The arginine residue is moderately conserved and there is a small physicochemical difference between arginine and lysine. This variant is present in population databases (rs371428645, ExAC 0.002%). This variant has not been reported in the literature in individuals affected with COL12A1-related conditions. Algorithms developed to predict the effect of missense changes on protein structure and function are either unavailable or do not agree on the potential impact of this missense change (SIFT: "Deleterious"; PolyPhen-2: "Possibly Damaging"; Align-GVGD: "Class C0").

NM_004370.6(COL12A1):c.2453G>A (p.Arg818Lys)

Gene: COL12A1 (collagen type XII alpha 1 chain; minus strand). Cytogenetic location: 6q13.
Variant type: single nucleotide variant.
Coding change: c.2453G>A on transcript NM_004370.6 (MANE Select); coding-DNA position 2453, G replaced by A.
Protein change: p.Arg818Lys; replaces arginine 818 with lysine.
Molecular consequence: missense variant. On other transcripts: intron variant (1).
Genome position (GRCh38, 1-based): chr6:75,175,295, C>T on the plus strand (G>A on the coding strand, the complement: COL12A1 is on the minus strand). VCF-style: chr6-75175295-C-T. GRCh37 (hg19) VCF-style: chr6-75885011-C-T.
Other names: c.74-22813G>A (NM_080645.3); short protein forms R818K.
Identifiers: ClinVar variation 1485788 (VCV001485788.6), dbSNP rs371428645, ClinGen allele CA3893966.
Genomic context (GRCh38, chr6:75,175,295, plus strand): 5'-GGTGCCCCACTCCAAGATAATTTCATAGTAGACGTCGTAGGGTCAGAAACTCTTAAGTCT[C>T]TTGGATTCCCTCTAACTTCATTAAAAAATGACAACATCATCAAAACCCATTATTTAAAAA-3'
Protein context (NP_004361.3, residues 808-828): AATEEVRGNP[Arg818Lys]DLRVSDPTTS